The following is an entry in ClinVar:

NM_000092.5(COL4A4):c.1487C>T (p.Pro496Leu)

Gene: COL4A4 (collagen type IV alpha 4 chain; minus strand). Cytogenetic location: 2q36.3.
Variant type: single nucleotide variant.
Coding change: c.1487C>T on transcript NM_000092.5 (MANE Select); coding-DNA position 1487, C replaced by T.
Protein change: p.Pro496Leu; replaces proline 496 with leucine.
Molecular consequence: missense variant.
Genome position (GRCh38, 1-based): chr2:227,088,789, G>A on the plus strand (C>T on the coding strand, the complement: COL4A4 is on the minus strand). VCF-style: chr2-227088789-G-A. GRCh37 (hg19) VCF-style: chr2-227953505-G-A.
Other names: short protein forms P496L.
Identifiers: ClinVar variation 1313175 (VCV001313175.2), dbSNP rs2150596608, ClinGen allele CA350850050.

ClinVar aggregate classification (germline): Uncertain significance (1 of 4 stars; one submission).

Submission:

GeneDx
Classification: Uncertain significance. Last evaluated: 2020-09-03. Review status: criteria provided, single submitter. Criteria: GeneDx Variant Classification Process June 2021. Collection method: clinical testing. Allele origin: germline. Affected: yes.
Comment: Not observed in large population cohorts (Lek et al., 2016); In silico analysis supports that this missense variant has a deleterious effect on protein structure/function; Has not been previously published as pathogenic or benign to our knowledge; Occurs in the triple helical domain within an interruption of the canonical Gly-X-Y repeat